The following is an entry in ClinVar:

ClinVar aggregate classification (germline): Uncertain significance. Review status: criteria provided, multiple submitters, no conflicts (2 of 4 stars). 3 submissions from 3 submitters: Uncertain significance (3). Last evaluated 2025-11-05.

Conditions:
IMPG1-related disorder. Also called: IMPG1-related condition.

Allele frequency attached by ClinVar (database versions not stated): gnomAD 0.00001; gnomAD exomes 0.00001 and 0.00002; ExAC 0.00002; TOPMed 0.00003.
gnomAD v4.1: 18 of 1,613,760 alleles (0.0011%); highest among the groups gnomAD compares: Middle Eastern, 0.033%; no homozygotes.

Submissions (3):

PreventionGenetics, part of Exact Sciences
Classification: Uncertain significance for IMPG1-related condition. Last evaluated: 2025-11-05. Review status: criteria provided, single submitter. Criteria: ACMG Guidelines, 2015. Collection method: clinical testing. Allele origin: germline.
Comment: The IMPG1 c.1633C>A variant is predicted to result in the amino acid substitution p.His545Asn. To our knowledge, this variant has not been reported in the literature. This variant is reported in 0.0058% of alleles in individuals of Latino descent in gnomAD. At this time, the clinical significance of this variant is uncertain due to the absence of conclusive functional and genetic evidence.

Labcorp Genetics (formerly Invitae), Labcorp
Classification: Uncertain significance. Last evaluated: 2025-05-05. Review status: criteria provided, single submitter. Criteria: Invitae Variant Classification Sherloc (09022015). Collection method: clinical testing. Allele origin: germline.
Comment: This sequence change replaces histidine, which is basic and polar, with asparagine, which is neutral and polar, at codon 545 of the IMPG1 protein (p.His545Asn). This variant is present in population databases (rs763567835, gnomAD 0.006%). This variant has not been reported in the literature in individuals affected with IMPG1-related conditions. ClinVar contains an entry for this variant (Variation ID: 960265). An algorithm developed to predict the effect of missense changes on protein structure and function (PolyPhen-2) suggests that this variant is likely to be tolerated. In summary, the available evidence is currently insufficient to determine the role of this variant in disease. Therefore, it has been classified as a Variant of Uncertain Significance.

Ambry Genetics
Classification: Uncertain significance. Last evaluated: 2021-12-16. Review status: criteria provided, single submitter. Criteria: Ambry Variant Classification Scheme 2023. Collection method: clinical testing. Allele origin: germline.

NM_001563.4(IMPG1):c.1633C>A (p.His545Asn)

Gene: IMPG1 (interphotoreceptor matrix proteoglycan 1; minus strand). Cytogenetic location: 6q14.1.
Variant type: single nucleotide variant.
Coding change: c.1633C>A on transcript NM_001563.4 (MANE Select); coding-DNA position 1633, C replaced by A.
Protein change: p.His545Asn; replaces histidine 545 with asparagine.
Molecular consequence: missense variant.
Genome position (GRCh38, 1-based): chr6:75,950,753, G>T on the plus strand (C>A on the coding strand, the complement: IMPG1 is on the minus strand). VCF-style: chr6-75950753-G-T. GRCh37 (hg19) VCF-style: chr6-76660470-G-T.
Other names: c.1633C>A (NM_001563.2); c.1399C>A, p.His467Asn (NM_001282368.2); short protein forms H467N, H545N.
Identifiers: ClinVar variation 960265 (VCV000960265.12), dbSNP rs763567835, ClinGen allele CA3898078.